The following is an entry in ClinVar:

NM_201384.3(PLEC):c.781G>A (p.Ala261Thr)

Gene: PLEC (plectin; minus strand). Cytogenetic location: 8q24.3.
Variant type: single nucleotide variant.
Coding change: c.781G>A on transcript NM_201384.3 (MANE Select); coding-DNA position 781, G replaced by A.
Protein change: p.Ala261Thr; replaces alanine 261 with threonine.
Molecular consequence: missense variant.
Genome position (GRCh38, 1-based): chr8:143,935,055, C>T on the plus strand (G>A on the coding strand, the complement: PLEC is on the minus strand). VCF-style: chr8-143935055-C-T. GRCh37 (hg19) VCF-style: chr8-145009223-C-T.
Other names: c.862G>A, p.Ala288Thr (NM_000445.5, NM_001410941.1); c.739G>A, p.Ala247Thr (NM_201378.4); c.715G>A, p.Ala239Thr (NM_201379.3); c.1192G>A, p.Ala398Thr (NM_201380.4); c.685G>A, p.Ala229Thr (NM_201381.3); c.781G>A, p.Ala261Thr (NM_201382.4); c.793G>A, p.Ala265Thr (NM_201383.3); short protein forms A261T, A239T, A247T, A265T, A229T, A288T, A398T.
Identifiers: ClinVar variation 2922895 (VCV002922895.4), dbSNP rs782693579, ClinGen allele CA4928320.

ClinVar aggregate classification (germline): Uncertain significance. Review status: criteria provided, multiple submitters, no conflicts (2 of 4 stars). 2 submissions from 2 submitters: Uncertain significance (2). Last evaluated 2024-12-10.

Conditions:
Epidermolysis bullosa simplex with nail dystrophy (EBS5D). Identifiers: MedGen C4225309, MONDO:0014661, OMIM 616487.
Epidermolysis bullosa simplex, Ogna type (EBS5A). Also called: EPIDERMOLYSIS BULLOSA SIMPLEX 5A, OGNA TYPE; Pidermolysis bullosa simplex 5A, Ogna type. Identifiers: Orphanet 79401, MedGen C0432317, MONDO:0007555, OMIM 131950.
Epidermolysis bullosa simplex 5C, with pyloric atresia (EBS5C). Also called: PLEC1-Related Epidermolysis Bullosa with Pyloric Atresia; PLEC-Related Epidermolysis Bullosa with Pyloric Atresia; Epidermolysis bullosa simplex with pyloric atresia. Identifiers: Orphanet 158684, MedGen C2677349, MONDO:0012807, OMIM 612138.
Autosomal recessive limb-girdle muscular dystrophy type 2Q (LGMDR17). Also called: MUSCULAR DYSTROPHY, LIMB-GIRDLE, AUTOSOMAL RECESSIVE 17. Identifiers: Orphanet 254361, MedGen C3150989, MONDO:0013390, OMIM 613723.
Epidermolysis bullosa simplex 5B, with muscular dystrophy (EBS5B). Also called: EPIDERMOLYSIS BULLOSA SIMPLEX AND LIMB-GIRDLE MUSCULAR DYSTROPHY; Epidermolysis bullosa simplex with muscular dystrophy. Identifiers: Orphanet 257, MedGen C2931072, MONDO:0009181, OMIM 226670.

Allele frequency attached by ClinVar (database versions not stated): gnomAD exomes 0.00001; TOPMed 0.00002; ExAC 0.00004.

Submissions (2):

Revvity Omics, Revvity
Classification: Uncertain significance. Last evaluated: 2024-12-10. Review status: criteria provided, single submitter. Criteria: ACMG Guidelines, 2015. Collection method: clinical testing. Allele origin: germline.

Labcorp Genetics (formerly Invitae), Labcorp
Classification: Uncertain significance for Autosomal recessive limb-girdle muscular dystrophy type 2Q; Epidermolysis bullosa simplex, Ogna type; Epidermolysis bullosa simplex with nail dystrophy; Epidermolysis bullosa simplex 5C, with pyloric atresia; Epidermolysis bullosa simplex 5B, with muscular dystrophy. Last evaluated: 2024-11-06. Review status: criteria provided, single submitter. Criteria: Invitae Variant Classification Sherloc (09022015). Collection method: clinical testing. Allele origin: germline.
Comment: This sequence change replaces alanine, which is neutral and non-polar, with threonine, which is neutral and polar, at codon 288 of the PLEC protein (p.Ala288Thr). This variant is present in population databases (rs782693579, gnomAD 0.03%). This variant has not been reported in the literature in individuals affected with PLEC-related conditions. ClinVar contains an entry for this variant (Variation ID: 2922895). Experimental studies and prediction algorithms are not available or were not evaluated, and the functional significance of this variant is currently unknown. In summary, the available evidence is currently insufficient to determine the role of this variant in disease. Therefore, it has been classified as a Variant of Uncertain Significance.